The following is an entry in ClinVar:

NM_005506.4(SCARB2):c.994+1G>T

Gene: SCARB2 (scavenger receptor class B member 2; minus strand). Cytogenetic location: 4q21.1.
Variant type: single nucleotide variant.
Coding change: c.994+1G>T on transcript NM_005506.4 (MANE Select); the canonical splice donor site of the intron after coding-DNA position 994, G replaced by T.
Molecular consequence: splice donor variant.
Genome position (GRCh38, 1-based): chr4:76,174,143, C>A on the plus strand (G>T on the coding strand, the complement: SCARB2 is on the minus strand). VCF-style: chr4-76174143-C-A. GRCh37 (hg19) VCF-style: chr4-77095296-C-A.
Other names: c.565+1G>T (NM_001204255.2).
Identifiers: ClinVar variation 4292546 (VCV004292546.1).

ClinVar aggregate classification (germline): Pathogenic (1 of 4 stars; one submission).

Conditions:
Action myoclonus-renal failure syndrome. Also called: MYOCLONUS-NEPHROPATHY SYNDROME; EPILEPSY, PROGRESSIVE MYOCLONIC, 4, WITH RENAL FAILURE; EPILEPSY, PROGRESSIVE MYOCLONIC, 4, WITHOUT RENAL FAILURE; SCARB2-Related Action Myoclonus-Renal Failure Syndrome. Identifiers: Orphanet 163696, MedGen C0751779, MeSH D020191, MONDO:0009699, OMIM 254900.

gnomAD v4.1: 1 of 1,613,680 alleles (0.000062%); highest among the groups gnomAD compares: Non-Finnish European, 0.000085%; no homozygotes.

Submission:

3billion
Classification: Pathogenic for Action myoclonus-renal failure syndrome. Last evaluated: 2024-10-28. Review status: criteria provided, single submitter. Criteria: ACMG Guidelines, 2015. Collection method: clinical testing. Allele origin: germline. Affected: yes.
Comment: The variant is observed at an extremely low frequency in the gnomAD v4.1.0 dataset (total allele frequency: <0.001%). Predicted Consequence/Location: Canonical splice site: predicted to alter splicing and result in a loss or disruption of normal protein function. Multiple pathogenic loss-of-function variants are reported downstream of the variant. In silico tools predict the variant to alter splicing and produce an abnormal transcript [SpliceAI: 0.73 (spliceogenicity >=0.2, non-spliceogenicity <0.1)]. Therefore, this variant is classified as Pathogenic according to the recommendation of ACMG/AMP guideline.